The following is an entry in ClinVar:

ClinVar aggregate classification (germline): Uncertain significance (1 of 4 stars; one submission).

Conditions:
Progressive sclerosing poliodystrophy (MTDPS4A). Also called: ALPERS PROGRESSIVE INFANTILE POLIODYSTROPHY; Mitochondrial DNA depletion syndrome 4A (Alpers type); ALPERS DIFFUSE DEGENERATION OF CEREBRAL GRAY MATTER WITH HEPATIC CIRRHOSIS; Alpers-Huttenlocher Syndrome; Alpers-Huttenlocher Syndrome (AHS); Alpers Syndrome. Identifiers: Orphanet 726, MedGen C0205710, MONDO:0008758, OMIM 203700.

Allele frequency attached by ClinVar (database versions not stated): gnomAD exomes below 0.00001.
gnomAD v4.1: 5 of 1,560,004 alleles (0.00032%); highest among the groups gnomAD compares: African/African-American, 0.0014%; no homozygotes.

Submission:

Labcorp Genetics (formerly Invitae), Labcorp
Classification: Uncertain significance for Progressive sclerosing poliodystrophy. Last evaluated: 2024-10-22. Review status: criteria provided, single submitter. Criteria: Invitae Variant Classification Sherloc (09022015). Collection method: clinical testing. Allele origin: germline.
Comment: This sequence change replaces proline, which is neutral and non-polar, with leucine, which is neutral and non-polar, at codon 164 of the POLG protein (p.Pro164Leu). The frequency data for this variant in the population databases is considered unreliable, as metrics indicate poor data quality at this position in the gnomAD database. This variant has not been reported in the literature in individuals affected with POLG-related conditions. ClinVar contains an entry for this variant (Variation ID: 972121). Invitae Evidence Modeling of protein sequence and biophysical properties (such as structural, functional, and spatial information, amino acid conservation, physicochemical variation, residue mobility, and thermodynamic stability) has been performed for this missense variant. However, the output from this modeling did not meet the statistical confidence thresholds required to predict the impact of this variant on POLG protein function. In summary, the available evidence is currently insufficient to determine the role of this variant in disease. Therefore, it has been classified as a Variant of Uncertain Significance.

NM_002693.3(POLG):c.491C>T (p.Pro164Leu)

Genes: POLG (DNA polymerase gamma, catalytic subunit; minus strand), POLGARF (POLG alternative reading frame; minus strand). Cytogenetic location: 15q26.1.
Variant type: single nucleotide variant.
Coding change: c.491C>T on transcript NM_002693.3 (MANE Select); coding-DNA position 491, C replaced by T.
Protein change: p.Pro164Leu; replaces proline 164 with leucine.
Molecular consequence: missense variant.
Genome position (GRCh38, 1-based): chr15:89,333,264, G>A on the plus strand (C>T on the coding strand, the complement: POLG is on the minus strand). VCF-style: chr15-89333264-G-A. GRCh37 (hg19) VCF-style: chr15-89876495-G-A.
Other names: c.491C>T, p.Pro164Leu (NM_001126131.2); short protein forms P164L.
Identifiers: ClinVar variation 972121 (VCV000972121.9), dbSNP rs1169437119, ClinGen allele CA393771307.